The following is an entry in ClinVar:

ClinVar aggregate classification (germline): Uncertain significance (1 of 4 stars; one submission).

Allele frequency attached by ClinVar (database versions not stated): ExAC 0.00001; 1000 Genomes Project 30x 0.00016; 1000 Genomes Project 0.00020.
gnomAD v4.1: 8 of 1,614,212 alleles (0.0005%); highest among the groups gnomAD compares: Admixed American, 0.0033%; no homozygotes.

Submission:

Labcorp Genetics (formerly Invitae), Labcorp
Classification: Uncertain significance. Last evaluated: 2025-05-25. Review status: criteria provided, single submitter. Criteria: Invitae Variant Classification Sherloc (09022015). Collection method: clinical testing. Allele origin: germline.
Comment: This sequence change replaces proline, which is neutral and non-polar, with histidine, which is basic and polar, at codon 336 of the ASAH1 protein (p.Pro336His). This variant is present in population databases (rs541204900, gnomAD 0.006%). This variant has not been reported in the literature in individuals affected with ASAH1-related conditions. ClinVar contains an entry for this variant (Variation ID: 1346113). Invitae Evidence Modeling of protein sequence and biophysical properties (such as structural, functional, and spatial information, amino acid conservation, physicochemical variation, residue mobility, and thermodynamic stability) indicates that this missense variant is expected to disrupt ASAH1 protein function with a positive predictive value of 80%. In summary, the available evidence is currently insufficient to determine the role of this variant in disease. Therefore, it has been classified as a Variant of Uncertain Significance.

NM_177924.5(ASAH1):c.1007C>A (p.Pro336His)

Gene: ASAH1 (N-acylsphingosine amidohydrolase 1; minus strand). Cytogenetic location: 8p22.
Variant type: single nucleotide variant.
Coding change: c.1007C>A on transcript NM_177924.5 (MANE Select); coding-DNA position 1007, C replaced by A.
Protein change: p.Pro336His; replaces proline 336 with histidine.
Molecular consequence: missense variant.
Genome position (GRCh38, 1-based): chr8:18,059,375, G>T on the plus strand (C>A on the coding strand, the complement: ASAH1 is on the minus strand). VCF-style: chr8-18059375-G-T. GRCh37 (hg19) VCF-style: chr8-17916884-G-T.
Other names: c.989C>A, p.Pro330His (NM_001127505.3); c.812C>A, p.Pro271His (NM_001363743.2); c.1055C>A, p.Pro352His (NM_004315.6); short protein forms P330H, P336H, P352H, P271H.
Identifiers: ClinVar variation 1346113 (VCV001346113.5), dbSNP rs541204900, ClinGen allele CA4650596.